The following is an entry in ClinVar:

ClinVar aggregate classification (germline): Uncertain significance (1 of 4 stars; one submission).

Allele frequency attached by ClinVar (database versions not stated): ExAC 0.00001; gnomAD 0.00003; TOPMed 0.00003; ESP Exome Variant Server 0.00008.
gnomAD v4.1: 4 of 1,613,874 alleles (0.00025%); highest among the groups gnomAD compares: African/African-American, 0.0053%; no homozygotes.

Submission:

Labcorp Genetics (formerly Invitae), Labcorp
Classification: Uncertain significance. Last evaluated: 2024-01-22. Review status: criteria provided, single submitter. Criteria: Invitae Variant Classification Sherloc (09022015). Collection method: clinical testing. Allele origin: germline.
Comment: This sequence change replaces proline, which is neutral and non-polar, with threonine, which is neutral and polar, at codon 101 of the POLG2 protein (p.Pro101Thr). This variant is present in population databases (rs370933352, gnomAD 0.007%). This variant has not been reported in the literature in individuals affected with POLG2-related conditions. An algorithm developed to predict the effect of missense changes on protein structure and function (PolyPhen-2) suggests that this variant is likely to be disruptive. In summary, the available evidence is currently insufficient to determine the role of this variant in disease. Therefore, it has been classified as a Variant of Uncertain Significance.

NM_007215.4(POLG2):c.301C>A (p.Pro101Thr)

Genes: MILR1 (mast cell immunoglobulin like receptor 1; plus strand), POLG2 (DNA polymerase gamma 2, accessory subunit; minus strand). Cytogenetic location: 17q23.3.
Variant type: single nucleotide variant.
Coding change: c.301C>A on transcript NM_007215.4 (MANE Select); coding-DNA position 301, C replaced by A.
Protein change: p.Pro101Thr; replaces proline 101 with threonine.
Molecular consequence: missense variant.
Genome position (GRCh38, 1-based): chr17:64,496,668, G>T on the plus strand (C>A on the coding strand, the complement: POLG2 is on the minus strand). VCF-style: chr17-64496668-G-T. GRCh37 (hg19) VCF-style: chr17-62492786-G-T.
Other names: short protein forms P101T.
Identifiers: ClinVar variation 2961555 (VCV002961555.3), dbSNP rs370933352, ClinGen allele CA8713058.